The following is an entry in ClinVar:

NM_001430.5(EPAS1):c.670A>T (p.Ile224Phe)

Genes: EPAS1 (endothelial PAS domain protein 1; plus strand), LOC126806210 (BRD4-independent group 4 enhancer GRCh37_chr2:46587586-46588785; plus strand). Cytogenetic location: 2p21.
Variant type: single nucleotide variant.
Coding change: c.670A>T on transcript NM_001430.5 (MANE Select); coding-DNA position 670, A replaced by T.
Protein change: p.Ile224Phe; replaces isoleucine 224 with phenylalanine.
Molecular consequence: missense variant.
Genome position (GRCh38, 1-based): chr2:46,360,981, A>T. VCF-style: chr2-46360981-A-T. GRCh37 (hg19) VCF-style: chr2-46588120-A-T.
Other names: short protein forms I224F.
Identifiers: ClinVar variation 3508982 (VCV003508982.1).

ClinVar aggregate classification (germline): Uncertain significance (1 of 4 stars; one submission).

Conditions:
Inborn genetic diseases. Identifiers: MedGen C0950123, MeSH D030342.

Submission:

Ambry Genetics
Classification: Uncertain significance for Inborn genetic diseases. Last evaluated: 2024-09-09. Review status: criteria provided, single submitter. Criteria: Ambry Variant Classification Scheme 2023. Collection method: clinical testing. Allele origin: germline.
Comment: The p.I224F variant (also known as c.670A>T), located in coding exon 6 of the EPAS1 gene, results from an A to T substitution at nucleotide position 670. The isoleucine at codon 224 is replaced by phenylalanine, an amino acid with highly similar properties. This amino acid position is conserved. In addition, this alteration is predicted to be tolerated by in silico analysis. Based on the available evidence, the clinical significance of this variant remains unclear.